The following is an entry in ClinVar:

NM_004990.4(MARS1):c.279+5G>A

Gene: MARS1 (methionyl-tRNA synthetase 1; plus strand). Cytogenetic location: 12q13.3.
Variant type: single nucleotide variant.
Coding change: c.279+5G>A on transcript NM_004990.4 (MANE Select); 5 bases into the intron after coding-DNA position 279, G replaced by A.
Molecular consequence: intron variant.
Genome position (GRCh38, 1-based): chr12:57,489,350, G>A. VCF-style: chr12-57489350-G-A. GRCh37 (hg19) VCF-style: chr12-57883133-G-A.
Identifiers: ClinVar variation 2946392 (VCV002946392.3), dbSNP rs771256440, ClinGen allele CA6650116.
Genomic context (GRCh38, chr12:57,489,350, plus strand): 5'-GGGAGCAAGATGACCTCACTAACCAGTGGCTGGAATGGGAAGCGACAGAGCTGCAGGTAG[G>A]ACTAAGGTATGGGGGATGTCAGGCAGGCCCTTGTTCTGCGTGGCCATCCTGACTCATGTC-3'

ClinVar aggregate classification (germline): Uncertain significance (1 of 4 stars; one submission).

Conditions:
Charcot-Marie-Tooth disease axonal type 2U. Also called: CHARCOT-MARIE-TOOTH NEUROPATHY, TYPE 2U; CHARCOT-MARIE-TOOTH DISEASE, AXONAL, AUTOSOMAL DOMINANT, TYPE 2U. Identifiers: Orphanet 397735, MedGen C4084821, MONDO:0014566, OMIM 616280.
Severe early-onset pulmonary alveolar proteinosis due to MARS deficiency. Also called: PULMONARY ALVEOLAR PROTEINOSIS, REUNION ISLAND; Interstitial lung and liver disease. Identifiers: Orphanet 440427, MedGen C4225400, MONDO:0014206, OMIM 615486.

Allele frequency attached by ClinVar (database versions not stated): TOPMed below 0.00001; gnomAD exomes 0.00002; ExAC 0.00004.
gnomAD v4.1: 26 of 1,613,966 alleles (0.0016%); highest among the groups gnomAD compares: South Asian, 0.025%; no homozygotes.

Submission:

Labcorp Genetics (formerly Invitae), Labcorp
Classification: Uncertain significance for Charcot-Marie-Tooth disease axonal type 2U; Severe early-onset pulmonary alveolar proteinosis due to MARS deficiency. Last evaluated: 2023-03-09. Review status: criteria provided, single submitter. Criteria: Invitae Variant Classification Sherloc (09022015). Collection method: clinical testing. Allele origin: germline.
Comment: This sequence change falls in intron 3 of the MARS gene. It does not directly change the encoded amino acid sequence of the MARS protein. It affects a nucleotide within the consensus splice site. In summary, the available evidence is currently insufficient to determine the role of this variant in disease. Therefore, it has been classified as a Variant of Uncertain Significance. Variants that disrupt the consensus splice site are a relatively common cause of aberrant splicing (PMID: 17576681, 9536098). Algorithms developed to predict the effect of sequence changes on RNA splicing suggest that this variant may disrupt the consensus splice site. This variant has not been reported in the literature in individuals affected with MARS-related conditions. This variant is present in population databases (rs771256440, gnomAD 0.03%).

Literature cited by the submitters: PubMed 17576681; PubMed 9536098.